The following is an entry in ClinVar:

ClinVar aggregate classification (germline): Conflicting classifications of pathogenicity. Review status: criteria provided, conflicting classifications (1 of 4 stars). 2 submissions from 2 submitters: Uncertain significance (1); Likely benign (1). Last evaluated 2025-12-21.

Conditions:
Inborn genetic diseases. Identifiers: MedGen C0950123, MeSH D030342.

Allele frequency attached by ClinVar (database versions not stated): TOPMed below 0.00001; ExAC 0.00001.
gnomAD v4.1: 7 of 1,614,178 alleles (0.00043%); highest among the groups gnomAD compares: South Asian, 0.0066%; no homozygotes.

Submissions (2):

Ambry Genetics
Classification: Likely benign for Inborn genetic diseases. Last evaluated: 2025-12-21. Review status: criteria provided, single submitter. Criteria: Ambry Variant Classification Scheme 2023. Collection method: clinical testing. Allele origin: germline.

Labcorp Genetics (formerly Invitae), Labcorp
Classification: Uncertain significance. Last evaluated: 2023-12-17. Review status: criteria provided, single submitter. Criteria: Invitae Variant Classification Sherloc (09022015). Collection method: clinical testing. Allele origin: germline.
Comment: This sequence change replaces aspartic acid, which is acidic and polar, with glutamic acid, which is acidic and polar, at codon 988 of the ASXL1 protein (p.Asp988Glu). This variant is present in population databases (rs749938743, gnomAD 0.01%). This variant has not been reported in the literature in individuals affected with ASXL1-related conditions. Algorithms developed to predict the effect of missense changes on protein structure and function output the following: SIFT: "Not Available"; PolyPhen-2: "Benign"; Align-GVGD: "Not Available". The glutamic acid amino acid residue is found in multiple mammalian species, which suggests that this missense change does not adversely affect protein function. In summary, the available evidence is currently insufficient to determine the role of this variant in disease. Therefore, it has been classified as a Variant of Uncertain Significance.

NM_015338.6(ASXL1):c.2964C>G (p.Asp988Glu)

Gene: ASXL1 (ASXL transcriptional regulator 1; plus strand). Cytogenetic location: 20q11.21.
Variant type: single nucleotide variant.
Coding change: c.2964C>G on transcript NM_015338.6 (MANE Select); coding-DNA position 2964, C replaced by G.
Protein change: p.Asp988Glu; replaces aspartic acid 988 with glutamic acid.
Molecular consequence: missense variant.
Genome position (GRCh38, 1-based): chr20:32,435,676, C>G. VCF-style: chr20-32435676-C-G. GRCh37 (hg19) VCF-style: chr20-31023479-C-G.
Other names: c.2781C>G, p.Asp927Glu (NM_001363734.1); short protein forms D927E, D988E.
Identifiers: ClinVar variation 2992991 (VCV002992991.4), dbSNP rs749938743, ClinGen allele CA9808735.